The following is an entry in ClinVar:

NM_001854.4(COL11A1):c.2150A>G (p.Gln717Arg)

Gene: COL11A1 (collagen type XI alpha 1 chain; minus strand). Cytogenetic location: 1p21.1.
Variant type: single nucleotide variant.
Coding change: c.2150A>G on transcript NM_001854.4 (MANE Select); coding-DNA position 2150, A replaced by G.
Protein change: p.Gln717Arg; replaces glutamine 717 with arginine.
Molecular consequence: missense variant. On other transcripts: non-coding transcript variant (1).
Genome position (GRCh38, 1-based): chr1:102,998,356, T>C on the plus strand (A>G on the coding strand, the complement: COL11A1 is on the minus strand). VCF-style: chr1-102998356-T-C. GRCh37 (hg19) VCF-style: chr1-103463912-T-C.
Other names: c.2033A>G, p.Gln678Arg (NM_001190709.2); c.2186A>G, p.Gln729Arg (NM_080629.3); c.1802A>G, p.Gln601Arg (NM_080630.4); short protein forms Q601R, Q678R, Q729R, Q717R.
Identifiers: ClinVar variation 1376360 (VCV001376360.9), dbSNP rs142524348, ClinGen allele CA974572.

ClinVar aggregate classification (germline): Conflicting classifications of pathogenicity. Review status: criteria provided, conflicting classifications (1 of 4 stars). 2 submissions from 2 submitters: Uncertain significance (1); Benign (1). Last evaluated 2025-07-08.

Allele frequency attached by ClinVar (database versions not stated): gnomAD exomes below 0.00001 and 0.00003; ExAC 0.00004; TOPMed 0.00006; gnomAD 0.00007; ESP Exome Variant Server 0.00023.
gnomAD v4.1: 14 of 1,602,088 alleles (0.00087%); highest among the groups gnomAD compares: African/African-American, 0.019%; no homozygotes.

Submissions (2):

Labcorp Genetics (formerly Invitae), Labcorp
Classification: Benign. Last evaluated: 2025-07-08. Review status: criteria provided, single submitter. Criteria: Invitae Variant Classification Sherloc (09022015). Collection method: clinical testing. Allele origin: germline.

GeneDx
Classification: Uncertain significance. Last evaluated: 2022-07-14. Review status: criteria provided, single submitter. Criteria: GeneDx Variant Classification Process June 2021. Collection method: clinical testing. Allele origin: germline. Affected: yes.
Comment: In silico analysis supports that this missense variant does not alter protein structure/function; Occurs in the triple helical domain at the Y position in the canonical Gly-X-Y repeat; although this variant may have an effect on normal protein folding and function, missense substitution at the Y position is not a common mechanism of disease; Has not been previously published as pathogenic or benign to our knowledge